The following is an entry in ClinVar:

NM_152468.5(TMC8):c.1568G>A (p.Arg523Gln)

Gene: TMC8 (transmembrane channel like 8; plus strand). Cytogenetic location: 17q25.3.
Variant type: single nucleotide variant.
Coding change: c.1568G>A on transcript NM_152468.5 (MANE Select); coding-DNA position 1568, G replaced by A.
Protein change: p.Arg523Gln; replaces arginine 523 with glutamine.
Molecular consequence: missense variant.
Genome position (GRCh38, 1-based): chr17:78,138,383, G>A. VCF-style: chr17-78138383-G-A. GRCh37 (hg19) VCF-style: chr17-76134464-G-A.
Other names: short protein forms R523Q.
Identifiers: ClinVar variation 1010742 (VCV001010742.7), dbSNP rs756911102, ClinGen allele CA8796926.
Genomic context (GRCh38, chr17:78,138,383, plus strand): 5'-CTGGTTGCTATTGCTTGCGCCCCCAGTACACCCTCCTGAAGAACTCCAGGGCATCTTCGC[G>A]GCCCTTCCGTGCCTCCAGCTCCACCTTCTTCTTCCAGCTAGTGCTCCTCCTGGGCCTGCT-3'
Protein context (NP_689681.2, residues 513-533): TLLKNSRASS[Arg523Gln]PFRASSSTFF

ClinVar aggregate classification (germline): Uncertain significance (1 of 4 stars; one submission).

Conditions:
Epidermodysplasia verruciformis. Identifiers: Orphanet 302, MedGen C0014522, MONDO:0009176.

Allele frequency attached by ClinVar (database versions not stated): TOPMed 0.00004.
gnomAD v4.1: 9 of 1,611,596 alleles (0.00056%); highest among the groups gnomAD compares: South Asian, 0.0011%; no homozygotes.

Submission:

Labcorp Genetics (formerly Invitae), Labcorp
Classification: Uncertain significance for Epidermodysplasia verruciformis. Last evaluated: 2023-02-25. Review status: criteria provided, single submitter. Criteria: Invitae Variant Classification Sherloc (09022015). Collection method: clinical testing. Allele origin: germline.
Comment: This sequence change replaces arginine, which is basic and polar, with glutamine, which is neutral and polar, at codon 523 of the TMC8 protein (p.Arg523Gln). This variant is present in population databases (rs756911102, gnomAD 0.006%). This variant has not been reported in the literature in individuals affected with TMC8-related conditions. ClinVar contains an entry for this variant (Variation ID: 1010742). Advanced modeling of protein sequence and biophysical properties (such as structural, functional, and spatial information, amino acid conservation, physicochemical variation, residue mobility, and thermodynamic stability) performed at Invitae indicates that this missense variant is not expected to disrupt TMC8 protein function. In summary, the available evidence is currently insufficient to determine the role of this variant in disease. Therefore, it has been classified as a Variant of Uncertain Significance.